The following is an entry in ClinVar:

ClinVar aggregate classification (germline): Pathogenic (1 of 4 stars; one submission).

Submission:

Labcorp Genetics (formerly Invitae), Labcorp
Classification: Pathogenic. Last evaluated: 2024-05-01. Review status: criteria provided, single submitter. Criteria: Invitae Variant Classification Sherloc (09022015). Collection method: clinical testing. Allele origin: germline.
Comment: This sequence change creates a premature translational stop signal (p.Glu333*) in the MYO6 gene. It is expected to result in an absent or disrupted protein product. Loss-of-function variants in MYO6 are known to be pathogenic (PMID: 12687499, 18348273, 23767834, 25999546, 30582396). This variant is not present in population databases (gnomAD no frequency). This variant has not been reported in the literature in individuals affected with MYO6-related conditions. For these reasons, this variant has been classified as Pathogenic.

Literature cited by the submitters: PubMed 12687499; PubMed 18348273; PubMed 23767834; PubMed 25999546; PubMed 30582396.

NM_004999.4(MYO6):c.997G>T (p.Glu333Ter)

Gene: MYO6 (myosin VI; plus strand). Cytogenetic location: 6q14.1.
Variant type: single nucleotide variant.
Coding change: c.997G>T on transcript NM_004999.4 (MANE Select); coding-DNA position 997, G replaced by T.
Protein change: p.Glu333Ter; replaces glutamic acid 333 with a stop codon.
Molecular consequence: nonsense. On other transcripts: non-coding transcript variant (1).
Genome position (GRCh38, 1-based): chr6:75,848,450, G>T. VCF-style: chr6-75848450-G-T. GRCh37 (hg19) VCF-style: chr6-76558167-G-T.
Other names: c.997G>T, p.Glu333Ter (NM_001300899.2, NM_001368136.1, NM_001368137.1 and 2 more transcripts); c.982G>T, p.Glu328Ter (NM_001368138.1); short protein forms E333*, E328*.
Identifiers: ClinVar variation 3651850 (VCV003651850.2).